The following is an entry in ClinVar:

ClinVar aggregate classification (germline): Conflicting classifications of pathogenicity. Review status: criteria provided, conflicting classifications (1 of 4 stars). 2 submissions from 2 submitters: Likely pathogenic (1); Uncertain significance (1). Last evaluated 2026-11-02.

Conditions:
Intellectual developmental disorder, X-linked, syndromic, Nascimento type. Also called: MENTAL RETARDATION, X-LINKED, SYNDROMIC 30; Syndromic X-linked intellectual disability Nascimento type. Identifiers: Orphanet 163956, MedGen C3275464, MONDO:0010461, OMIM 300860.

Submissions (2):

Lupski Lab, Baylor-Hopkins CMG, Baylor College of Medicine
Classification: Likely pathogenic for Intellectual developmental disorder, X-linked, syndromic, Nascimento type. Last evaluated: 2026-11-02. Review status: criteria provided, single submitter. Criteria: ACMG Guidelines, 2015. Collection method: research. Allele origin: maternal. Affected: yes. Observed: 1 variant allele, 1 hemizygote.
Comment: It is absent from gnomAD and computational evidence strongly supports a damaging effect (REVEL 0.894, AlphaMissense 0.974, CADD 27), and UBE2A is constrained for missense variation. UBE2A deficiency causes X-linked intellectual disability, Nascimento type (MIM 300860), with developmental delay, intellectual disability, dysmorphisms and skin anomalies, and recurrent features include hypogammaglobulinemia, which overlap with this individual’s phenotype (Stevenson et al. 2019; PMID: 30179896). This UBE2A variant is classified as Likely Pathogenic based on PM2_Supporting, PP3_Moderate, PP2, and PP4_Moderate

Labcorp Genetics (formerly Invitae), Labcorp
Classification: Uncertain significance. Last evaluated: 2024-06-03. Review status: criteria provided, single submitter. Criteria: Invitae Variant Classification Sherloc (09022015). Collection method: clinical testing. Allele origin: germline.
Comment: This sequence change replaces glutamic acid, which is acidic and polar, with lysine, which is basic and polar, at codon 115 of the UBE2A protein (p.Glu115Lys). This variant is not present in population databases (gnomAD no frequency). This variant has not been reported in the literature in individuals affected with UBE2A-related conditions. ClinVar contains an entry for this variant (Variation ID: 2034990). An algorithm developed to predict the effect of missense changes on protein structure and function (PolyPhen-2) suggests that this variant is likely to be disruptive. Algorithms developed to predict the effect of sequence changes on RNA splicing suggest that this variant may disrupt the consensus splice site. In summary, the available evidence is currently insufficient to determine the role of this variant in disease. Therefore, it has been classified as a Variant of Uncertain Significance.

Literature cited by the submitters: PubMed 30179896 (cited by Lupski Lab, Baylor-Hopkins CMG, Baylor College of Medicine).

NM_003336.4(UBE2A):c.343G>A (p.Glu115Lys)

Gene: UBE2A (ubiquitin conjugating enzyme E2 A; plus strand). Cytogenetic location: Xq24.
Variant type: single nucleotide variant.
Coding change: c.343G>A on transcript NM_003336.4 (MANE Select); coding-DNA position 343, G replaced by A.
Protein change: p.Glu115Lys; replaces glutamic acid 115 with lysine.
Molecular consequence: missense variant.
Genome position (GRCh38, 1-based): chrX:119,583,139, G>A. VCF-style: chrX-119583139-G-A. GRCh37 (hg19) VCF-style: chrX-118717102-G-A.
Other names: c.244G>A, p.Glu82Lys (NM_001282161.2); c.253G>A, p.Glu85Lys (NM_181762.3); short protein forms E115K, E82K, E85K.
Identifiers: ClinVar variation 2034990 (VCV002034990.5), dbSNP rs2520659168, ClinGen allele CA414376817.
Genomic context (GRCh38, chrX:119,583,139, plus strand): 5'-TAGTTGTTTTGCATTAAGGAACTGACATTTTAAAAATTGTCTCTTTAGTCTCTGTTGGAT[G>A]AACCCAATCCCAATAGTCCAGCAAACAGCCAGGCTGCTCAGCTGTACCAGGAGAACAAAC-3'
Protein context (NP_003327.2, residues 105-125): ILTSIQSLLD[Glu115Lys]PNPNSPANSQ